The following is an entry in ClinVar:

ClinVar aggregate classification (germline): Uncertain significance (1 of 4 stars; one submission).

Allele frequency attached by ClinVar (database versions not stated): gnomAD exomes below 0.00001.
gnomAD v4.1: 2 of 1,450,730 alleles (0.00014%); highest among the groups gnomAD compares: East Asian, 0.0023%; no homozygotes.

Submissions (2):

GeneDx
Classification: Uncertain significance. Last evaluated: 2023-06-01. Review status: criteria provided, single submitter. Criteria: GeneDx Variant Classification Process June 2021. Collection method: clinical testing. Allele origin: germline. Affected: yes.
Comment: Has not been previously published as pathogenic or benign to our knowledge; Not observed at significant frequency in large population cohorts (gnomAD); In silico analysis supports that this missense variant has a deleterious effect on protein structure/function

Roden Lab, Vanderbilt University Medical Center
No classification provided (evidence only). Condition: Long QT syndrome 5. Review status: no classification provided. Collection method: in vitro. Allele origin: not applicable. Functional consequence: Effect on ion channel function. Not counted in ClinVar's aggregate classification.
ClinVar note: "not provided" was previously submitted as the classification for the variant. However, the classification appeared to be based only on an observation of functional data so it was converted to no classification on 2025-07-30.

NM_000219.6(KCNE1):c.193T>C (p.Tyr65His)

Gene: KCNE1 (potassium voltage-gated channel subfamily E regulatory subunit 1; minus strand). Cytogenetic location: 21q22.12.
Variant type: single nucleotide variant.
Coding change: c.193T>C on transcript NM_000219.6 (MANE Select); coding-DNA position 193, T replaced by C.
Protein change: p.Tyr65His; replaces tyrosine 65 with histidine.
Molecular consequence: missense variant.
Genome position (GRCh38, 1-based): chr21:34,449,442, A>G on the plus strand (T>C on the coding strand, the complement: KCNE1 is on the minus strand). VCF-style: chr21-34449442-A-G. GRCh37 (hg19) VCF-style: chr21-35821740-A-G.
Other names: c.193T>C, p.Tyr65His (NM_001127668.4, NM_001127669.4, NM_001127670.4 and 4 more transcripts); short protein forms Y65H.
Identifiers: ClinVar variation 2504842 (VCV002504842.3), dbSNP rs1477782474, ClinGen allele CA410198297.